The following is an entry in ClinVar:

NM_000548.5(TSC2):c.1258-3C>A

Gene: TSC2 (TSC complex subunit 2; plus strand). Cytogenetic location: 16p13.3.
Variant type: single nucleotide variant.
Coding change: c.1258-3C>A on transcript NM_000548.5 (MANE Select); 3 bases into the intron before coding-DNA position 1258, C replaced by A.
Molecular consequence: intron variant.
Genome position (GRCh38, 1-based): chr16:2,062,494, C>A. VCF-style: chr16-2062494-C-A. GRCh37 (hg19) VCF-style: chr16-2112495-C-A.
Other names: c.1258-3C>A (NM_001114382.3, NM_021055.3, NM_001370405.1 and 3 more transcripts); c.1147-3C>A (NM_001318827.2); c.658-3C>A (NM_001318831.2); c.1111-3C>A (NM_001318829.2); c.1291-3C>A (NM_001318832.2).
Identifiers: ClinVar variation 569693 (VCV000569693.8), dbSNP rs45517161, ClinGen allele CA891844061.

ClinVar aggregate classification (germline): Uncertain significance (1 of 4 stars; one submission).

Conditions:
Tuberous sclerosis 2 (TSC2). Identifiers: Orphanet 805, MedGen C1860707, MONDO:0013199, OMIM 613254.

Submission:

Labcorp Genetics (formerly Invitae), Labcorp
Classification: Uncertain significance for Tuberous sclerosis 2. Last evaluated: 2025-09-19. Review status: criteria provided, single submitter. Criteria: Invitae Variant Classification Sherloc (09022015). Collection method: clinical testing. Allele origin: germline.
Comment: This sequence change falls in intron 12 of the TSC2 gene. It does not directly change the encoded amino acid sequence of the TSC2 protein. It affects a nucleotide within the consensus splice site. This variant is not present in population databases (gnomAD no frequency). This variant has not been reported in the literature in individuals affected with TSC2-related conditions. ClinVar contains an entry for this variant (Variation ID: 569693). Variants that disrupt the consensus splice site are a relatively common cause of aberrant splicing (PMID: 17576681, 9536098). Algorithms developed to predict the effect of sequence changes on RNA splicing suggest that this variant may disrupt the consensus splice site. In summary, the available evidence is currently insufficient to determine the role of this variant in disease. Therefore, it has been classified as a Variant of Uncertain Significance.

Literature cited by the submitters: PubMed 17576681; PubMed 9536098.